The following is an entry in ClinVar:

ClinVar aggregate classification (germline): Likely pathogenic (0 of 4 stars; one submission).

Conditions:
Congenital lactase deficiency. Also called: ALACTASIA, CONGENITAL; DISACCHARIDE INTOLERANCE II. Identifiers: Orphanet 53690, MedGen C0268179, MONDO:0009115, OMIM 223000.

Submission:

Juha Muilu Group; Institute for Molecular Medicine Finland (FIMM)
Classification: Likely pathogenic for Congenital lactase deficiency. Review status: no assertion criteria provided. Collection method: not provided. Allele origin: unknown.
Comment: FinDis database variant: This variant was not found or characterized by our laboratory, data were collected from public sources: see reference
ClinVar note: Converted during submission from probable-pathogenic to Likely pathogenic.

NM_002299.4(LCT):c.5387del (p.Asp1796fs)

Gene: LCT (lactase; minus strand). Cytogenetic location: 2q21.3.
Variant type: Deletion.
Coding change: c.5387del on transcript NM_002299.4 (MANE Select); coding-DNA position 5387, one base deleted (A; older notation c.5387delA).
Protein change: p.Asp1796fs; shifts the reading frame from aspartic acid 1796.
Molecular consequence: frameshift variant.
Genome position (GRCh38, 1-based): chr2:135,789,747, T deleted on the plus strand (A on the coding strand, the reverse complement: LCT is on the minus strand). VCF-style (leftmost placement, unchanged base first): chr2-135789746-GT-G. GRCh37 (hg19) VCF-style: chr2-136547316-GT-G.
Other names: c.5387del (LRG_338t1); short protein forms D1796fs.
Identifiers: ClinVar variation 56392 (VCV000056392.2), dbSNP rs386833837, ClinGen allele CA144322.